The following is an entry in ClinVar:

NM_004247.4(EFTUD2):c.2539del (p.Tyr847fs)

Gene: EFTUD2 (elongation factor Tu GTP binding domain containing 2; minus strand). Cytogenetic location: 17q21.31.
Variant type: Deletion.
Coding change: c.2539del on transcript NM_004247.4 (MANE Select); coding-DNA position 2539, one base deleted (T; older notation c.2539delT).
Protein change: p.Tyr847fs; shifts the reading frame from tyrosine 847.
Molecular consequence: frameshift variant.
Genome position (GRCh38, 1-based): chr17:44,853,318, A deleted on the plus strand (T on the coding strand, the reverse complement: EFTUD2 is on the minus strand); the first of 3 consecutive A bases (chr17:44,853,318-44,853,320); deleting any one gives the same sequence. VCF-style (leftmost placement, unchanged base first): chr17-44853317-TA-T. GRCh37 (hg19) VCF-style: chr17-42930685-TA-T.
Other names: c.2434del, p.Tyr812fs (NM_001142605.2); c.2539del, p.Tyr847fs (NM_001258353.2); c.2509del, p.Tyr837fs (NM_001258354.2); short protein forms Y812fs, Y837fs, Y847fs.
Identifiers: ClinVar variation 3032336 (VCV003032336.2), dbSNP rs2508722438, ClinGen allele CA2740093762.

ClinVar aggregate classification (germline): Likely pathogenic (0 of 4 stars; one submission).

Conditions:
EFTUD2-related disorder. Also called: EFTUD2-related condition.

Submission:

PreventionGenetics, part of Exact Sciences
Classification: Likely pathogenic for EFTUD2-related condition. Last evaluated: 2023-12-19. Review status: no assertion criteria provided. Collection method: clinical testing. Allele origin: germline.
Comment: The EFTUD2 c.2539delT variant is predicted to result in a frameshift and premature protein termination (p.Tyr847Ilefs*11). To our knowledge, this variant has not been reported in the literature or in a large population database, indicating this variant is rare. Frameshift variants in EFTUD2 are expected to be pathogenic. This variant is interpreted as likely pathogenic.